The following is an entry in ClinVar:

ClinVar aggregate classification (germline): Pathogenic (1 of 4 stars; one submission).

Conditions:
Tuberous sclerosis 2 (TSC2). Identifiers: Orphanet 805, MedGen C1860707, MONDO:0013199, OMIM 613254.

Submission:

Labcorp Genetics (formerly Invitae), Labcorp
Classification: Pathogenic for Tuberous sclerosis 2. Last evaluated: 2017-06-22. Review status: criteria provided, single submitter. Criteria: Invitae Variant Classification Sherloc (09022015). Collection method: clinical testing. Allele origin: germline.
Comment: This sequence change creates a premature translational stop signal (p.Glu517*) in the TSC2 gene. It is expected to result in an absent or disrupted protein product. This variant is not present in population databases (ExAC no frequency). This variant has not been reported in the literature in individuals with TSC2-related disease. Loss-of-function variants in TSC2 are known to be pathogenic (PMID: 10205261, 17304050). For these reasons, this variant has been classified as Pathogenic.

Literature cited by the submitters: PubMed 10205261; PubMed 17304050.

NM_000548.5(TSC2):c.1549G>T (p.Glu517Ter)

Gene: TSC2 (TSC complex subunit 2; plus strand). Cytogenetic location: 16p13.3.
Variant type: single nucleotide variant.
Coding change: c.1549G>T on transcript NM_000548.5 (MANE Select); coding-DNA position 1549, G replaced by T.
Protein change: p.Glu517Ter; replaces glutamic acid 517 with a stop codon.
Molecular consequence: nonsense.
Genome position (GRCh38, 1-based): chr16:2,064,377, G>T. VCF-style: chr16-2064377-G-T. GRCh37 (hg19) VCF-style: chr16-2114378-G-T.
Other names: c.1549G>T, p.Glu517Ter (NM_001077183.3, NM_001114382.3, NM_001363528.2 and 3 more transcripts); c.1438G>T, p.Glu480Ter (NM_001318827.2); c.1402G>T, p.Glu468Ter (NM_001318829.2); c.949G>T, p.Glu317Ter (NM_001318831.2); c.1582G>T, p.Glu528Ter (NM_001318832.2); short protein forms E517*, E528*, E468*, E317*, E480*.
Identifiers: ClinVar variation 467879 (VCV000467879.6), dbSNP rs1555502518, ClinGen allele CA394326427.
Genomic context (GRCh38, chr16:2,064,377, plus strand): 5'-CCCGAGGATAAAGACCACCAGGTCCGAAAGCTGGCCACCCAGTTGCTGGTGGACCTGGCA[G>T]AGGGCTGCCACACACACCACTTCAACAGCCTGCTGGACATCATCGAGAAGGTGAGAGCCG-3'